The following is an entry in ClinVar:

ClinVar aggregate classification (germline): Uncertain significance. Review status: criteria provided, multiple submitters, no conflicts (2 of 4 stars). 2 submissions from 2 submitters: Uncertain significance (2). Last evaluated 2026-03-17.

Conditions:
TSHZ1-related disorder. Also called: TSHZ1-related condition.

gnomAD v4.1: 37 of 1,542,162 alleles (0.0024%); highest among the groups gnomAD compares: Admixed American, 0.035%; no homozygotes.

Submissions (2):

PreventionGenetics, part of Exact Sciences
Classification: Uncertain significance for TSHZ1-related condition. Last evaluated: 2026-03-17. Review status: criteria provided, single submitter. Criteria: ACMG Guidelines, 2015. Collection method: clinical testing. Allele origin: germline.
Comment: The TSHZ1 c.346C>T variant is predicted to result in the amino acid substitution p.Pro116Ser. To our knowledge, this variant has not been reported in the literature. This variant is reported in 0.039% of alleles in individuals of Latino descent in gnomAD. Although we suspect that this variant may be benign, at this time, the clinical significance of this variant is uncertain due to the absence of conclusive functional and genetic evidence.

Ambry Genetics
Classification: Uncertain significance. Last evaluated: 2025-02-21. Review status: criteria provided, single submitter. Criteria: Ambry Variant Classification Scheme 2023. Collection method: clinical testing. Allele origin: germline.

NM_001308210.2(TSHZ1):c.481C>T (p.Pro161Ser)

Gene: TSHZ1 (teashirt zinc finger homeobox 1; plus strand). Cytogenetic location: 18q22.3.
Variant type: single nucleotide variant.
Coding change: c.481C>T on transcript NM_001308210.2 (MANE Select); coding-DNA position 481, C replaced by T.
Protein change: p.Pro161Ser; replaces proline 161 with serine.
Molecular consequence: missense variant.
Genome position (GRCh38, 1-based): chr18:75,285,888, C>T. VCF-style: chr18-75285888-C-T. GRCh37 (hg19) VCF-style: chr18-72997843-C-T.
Other names: c.346C>T (NM_005786.5); c.346C>T, p.Pro116Ser (NM_005786.6); short protein forms P161S, P116S.
Identifiers: ClinVar variation 3811433 (VCV003811433.2).